The following is an entry in ClinVar:

ClinVar aggregate classification (germline): Uncertain significance. Review status: criteria provided, single submitter (1 of 4 stars). 2 submissions from 2 submitters: Uncertain significance (1). 1 of the submissions does not count toward it. Last evaluated 2018-06-29.

Conditions:
Cardiomyopathy (CMYO). Also called: Cardiomyopathies. Identifiers: Orphanet 167848, MedGen C0878544, MONDO:0004994, HP:0001638. Inheritance: Various modes of inheritance.
Duchenne muscular dystrophy (DMD). Also called: MUSCULAR DYSTROPHY, PSEUDOHYPERTROPHIC PROGRESSIVE, DUCHENNE TYPE; Duchenne Muscular Dystrophy (DMD). Identifiers: Orphanet 98896, MedGen C0013264, MONDO:0010679, OMIM 310200.
Becker muscular dystrophy (BMD). Also called: MUSCULAR DYSTROPHY, PSEUDOHYPERTROPHIC PROGRESSIVE, BECKER TYPE; Becker Muscular Dystrophy (BMD). Identifiers: Orphanet 98895, MedGen C0917713, MONDO:0010311, OMIM 300376.
Dystrophin deficiency.

Allele frequency attached by ClinVar (database versions not stated): gnomAD exomes below 0.00001.
gnomAD v4.1: 3 of 1,207,837 alleles (0.00025%); highest among the groups gnomAD compares: Non-Finnish European, 0.00034%; no homozygotes.

Submissions (2):

ARUP Laboratories, Molecular Genetics and Genomics, ARUP Laboratories
Classification: Uncertain significance. Last evaluated: 2018-06-29. Review status: criteria provided, single submitter. Criteria: ARUP Molecular Germline Variant Investigation Process. Collection method: clinical testing. Allele origin: germline.
Comment: The p.Ser3420Pro variant has not been reported in the medical literature, gene specific variation databases, nor has it been previously identified by our laboratory. It is absent from general population databases such as 1000 Genomes, NHLBI GO Exome Sequencing Project (ESP), and the Genome Aggregation Database (gnomAD). The serine at position 3420 is highly conserved up to fruitfly considering 7 species (Alamut v2.11) and computational analyses of the p.Ser3420Pro variant on protein structure and function indicate a neutral effect (SIFT: tolerated, PolyPhen-2: benign). Altogether, there is not enough evidence to classify the p.Ser3420Pro variant with certainty.

Natera, Inc.
Classification: Uncertain significance for Becker muscular dystrophy; Cardiomyopathy; Duchenne muscular dystrophy; Dystrophin deficiency. Last evaluated: 2020-11-25. Review status: no assertion criteria provided. Collection method: clinical testing. Allele origin: germline. Not counted in ClinVar's aggregate classification.

NM_004006.3(DMD):c.10258T>C (p.Ser3420Pro)

Gene: DMD (dystrophin; minus strand). Cytogenetic location: Xp21.2.
Variant type: single nucleotide variant.
Coding change: c.10258T>C on transcript NM_004006.3 (MANE Select); coding-DNA position 10258, T replaced by C.
Protein change: p.Ser3420Pro; replaces serine 3420 with proline.
Molecular consequence: missense variant. On other transcripts: intron variant (5).
Genome position (GRCh38, 1-based): chrX:31,177,936, A>G on the plus strand (T>C on the coding strand, the complement: DMD is on the minus strand). VCF-style: chrX-31177936-A-G. GRCh37 (hg19) VCF-style: chrX-31196053-A-G.
Other names: c.10234T>C, p.Ser3412Pro (NM_000109.4); c.10246T>C, p.Ser3416Pro (NM_004009.3); c.9889T>C, p.Ser3297Pro (NM_004010.3); c.6235T>C, p.Ser2079Pro (NM_004011.4); c.6226T>C, p.Ser2076Pro (NM_004012.4); c.2878T>C, p.Ser960Pro (NM_004013.3, NM_004021.3); c.2071T>C, p.Ser691Pro (NM_004014.3); c.1054T>C, p.Ser352Pro (NM_004015.3, NM_004016.3); and 2 more; short protein forms S3420P, S2076P, S2079P, S3416P, S691P, S3297P, S3412P, S352P.
Identifiers: ClinVar variation 618067 (VCV000618067.9), dbSNP rs1569418231, ClinGen allele CA412652590.
Genomic context (GRCh38, chrX:31,177,936, plus strand): 5'-CCAAGCGAGCGAATGTGTTGGTGGTAGCAGCACCCTTCAGCAAAAAAAGTACTCACGCAG[A>G]ATCTACTGGCCAGAAGTTGATCAGAGTAACGGGACTGCAAAACAAAAAATGAGGTGGTGA-3'
Protein context (NP_003997.2, residues 3410-3430): VTLINFWPVD[Ser3420Pro]APASSPQLSH